The following is an entry in ClinVar:

ClinVar aggregate classification (germline): Uncertain significance (1 of 4 stars; one submission).

Conditions:
Schimke immuno-osseous dysplasia (SIOD). Also called: Schimke Immunoosseous Dysplasia. Identifiers: Orphanet 1830, MedGen C0877024, MONDO:0009458, OMIM 242900.

gnomAD v4.1: 1 of 1,614,176 alleles (0.000062%); highest among the groups gnomAD compares: East Asian, 0.0022%; no homozygotes.

Submission:

Labcorp Genetics (formerly Invitae), Labcorp
Classification: Uncertain significance for Schimke immuno-osseous dysplasia. Last evaluated: 2021-12-21. Review status: criteria provided, single submitter. Criteria: Invitae Variant Classification Sherloc (09022015). Collection method: clinical testing. Allele origin: germline.
Comment: This sequence change replaces valine, which is neutral and non-polar, with phenylalanine, which is neutral and non-polar, at codon 527 of the SMARCAL1 protein (p.Val527Phe). This variant is not present in population databases (gnomAD no frequency). This variant has not been reported in the literature in individuals affected with SMARCAL1-related conditions. Algorithms developed to predict the effect of missense changes on protein structure and function are either unavailable or do not agree on the potential impact of this missense change (SIFT: "Deleterious"; PolyPhen-2: "Probably Damaging"; Align-GVGD: "Class C0"). In summary, the available evidence is currently insufficient to determine the role of this variant in disease. Therefore, it has been classified as a Variant of Uncertain Significance.

NM_014140.4(SMARCAL1):c.1579G>T (p.Val527Phe)

Gene: SMARCAL1 (SNF2 related chromatin remodeling annealing helicase 1; plus strand). Cytogenetic location: 2q35.
Variant type: single nucleotide variant.
Coding change: c.1579G>T on transcript NM_014140.4 (MANE Select); coding-DNA position 1579, G replaced by T.
Protein change: p.Val527Phe; replaces valine 527 with phenylalanine.
Molecular consequence: missense variant.
Genome position (GRCh38, 1-based): chr2:216,435,431, G>T. VCF-style: chr2-216435431-G-T. GRCh37 (hg19) VCF-style: chr2-217300154-G-T.
Other names: c.1579G>T, p.Val527Phe (NM_001127207.2); short protein forms V527F.
Identifiers: ClinVar variation 2140815 (VCV002140815.1), dbSNP rs1574458759, ClinGen allele CA350500487.